The following is an entry in ClinVar:

NM_000334.4(SCN4A):c.3913_3914insAT (p.Leu1305fs)

Genes: GH-LCR (growth hormone locus control region; plus strand), SCN4A (sodium voltage-gated channel alpha subunit 4; minus strand). Cytogenetic location: 17q23.3.
Variant type: Insertion.
Coding change: c.3913_3914insAT on transcript NM_000334.4 (MANE Select); coding-DNA positions 3913 to 3914, AT inserted.
Protein change: p.Leu1305fs; shifts the reading frame from leucine 1305.
Molecular consequence: frameshift variant.
Genome position: GRCh38 VCF-style: chr17-63943849-A-AAT. GRCh37 (hg19) VCF-style: chr17-62021209-A-AAT.
Other names: short protein forms L1305fs.
Identifiers: ClinVar variation 4734861 (VCV004734861.1).

ClinVar aggregate classification (germline): Pathogenic (1 of 4 stars; one submission).

Conditions:
Hyperkalemic periodic paralysis. Also called: Familial hyperkalemic periodic paralysis; Gamstorp disease. Identifiers: Orphanet 682, MedGen C0238357, MONDO:0008224, OMIM 170500, HP:0007215.

Submission:

Labcorp Genetics (formerly Invitae), Labcorp
Classification: Pathogenic for Hyperkalemic periodic paralysis. Last evaluated: 2026-01-08. Review status: criteria provided, single submitter. Criteria: Invitae Variant Classification Sherloc (09022015). Collection method: clinical testing. Allele origin: germline.
Comment: This sequence change creates a premature translational stop signal (p.Leu1305Tyrfs*2) in the SCN4A gene. It is expected to result in an absent or disrupted protein product. Loss-of-function variants in SCN4A are known to be pathogenic (PMID: 26700687). This variant is not present in population databases (gnomAD no frequency). This variant has not been reported in the literature in individuals affected with SCN4A-related conditions. Algorithms developed to predict the effect of sequence changes on RNA splicing suggest that this variant may disrupt the consensus splice site. For these reasons, this variant has been classified as Pathogenic.

Literature cited by the submitters: PubMed 26700687.